The following is an entry in ClinVar:

ClinVar aggregate classification (germline): Uncertain significance (1 of 4 stars; one submission).

Allele frequency attached by ClinVar (database versions not stated): TOPMed below 0.00001.

Submission:

Labcorp Genetics (formerly Invitae), Labcorp
Classification: Uncertain significance. Last evaluated: 2021-08-26. Review status: criteria provided, single submitter. Criteria: Invitae Variant Classification Sherloc (09022015). Collection method: clinical testing. Allele origin: germline.
Comment: This sequence change replaces isoleucine with threonine at codon 2889 of the ADGRV1 protein (p.Ile2889Thr). The isoleucine residue is weakly conserved and there is a moderate physicochemical difference between isoleucine and threonine. This variant is not present in population databases (ExAC no frequency). This variant has not been reported in the literature in individuals affected with ADGRV1-related conditions. Algorithms developed to predict the effect of missense changes on protein structure and function (SIFT, PolyPhen-2, Align-GVGD) all suggest that this variant is likely to be tolerated. In summary, the available evidence is currently insufficient to determine the role of this variant in disease. Therefore, it has been classified as a Variant of Uncertain Significance.

NM_032119.4(ADGRV1):c.8666T>C (p.Ile2889Thr)

Gene: ADGRV1 (adhesion G protein-coupled receptor V1; plus strand). Cytogenetic location: 5q14.3.
Variant type: single nucleotide variant.
Coding change: c.8666T>C on transcript NM_032119.4 (MANE Select); coding-DNA position 8666, T replaced by C.
Protein change: p.Ile2889Thr; replaces isoleucine 2889 with threonine.
Molecular consequence: missense variant. On other transcripts: non-coding transcript variant (1).
Genome position (GRCh38, 1-based): chr5:90,706,330, T>C. VCF-style: chr5-90706330-T-C. GRCh37 (hg19) VCF-style: chr5-90002147-T-C.
Other names: short protein forms I2889T.
Identifiers: ClinVar variation 1382145 (VCV001382145.5), dbSNP rs893630767, ClinGen allele CA122803177.